The following is an entry in ClinVar:

ClinVar aggregate classification (germline): Uncertain significance. Review status: criteria provided, multiple submitters, no conflicts (2 of 4 stars). 2 submissions from 2 submitters: Uncertain significance (2). Last evaluated 2023-07-29.

gnomAD v4.1: 2 of 1,612,824 alleles (0.00012%); highest among the groups gnomAD compares: African/African-American, 0.0013%; no homozygotes.

Submissions (2):

Ambry Genetics
Classification: Uncertain significance. Last evaluated: 2023-07-29. Review status: criteria provided, single submitter. Criteria: Ambry Variant Classification Scheme 2023. Collection method: clinical testing. Allele origin: germline.
Comment: The p.L152F variant (also known as c.454C>T), located in coding exon 2 of the GALNT12 gene, results from a C to T substitution at nucleotide position 454. The leucine at codon 152 is replaced by phenylalanine, an amino acid with highly similar properties. This amino acid position is conserved. In addition, this alteration is predicted to be deleterious by in silico analysis. Since supporting evidence is limited at this time, the clinical significance of this alteration remains unclear.

Labcorp Genetics (formerly Invitae), Labcorp
Classification: Uncertain significance. Last evaluated: 2023-01-24. Review status: criteria provided, single submitter. Criteria: Invitae Variant Classification Sherloc (09022015). Collection method: clinical testing. Allele origin: germline.
Comment: Advanced modeling of protein sequence and biophysical properties (such as structural, functional, and spatial information, amino acid conservation, physicochemical variation, residue mobility, and thermodynamic stability) performed at Invitae indicates that this missense variant is not expected to disrupt GALNT12 protein function. In summary, the available evidence is currently insufficient to determine the role of this variant in disease. Therefore, it has been classified as a Variant of Uncertain Significance. This variant has not been reported in the literature in individuals affected with GALNT12-related conditions. This variant is not present in population databases (gnomAD no frequency). This sequence change replaces leucine, which is neutral and non-polar, with phenylalanine, which is neutral and non-polar, at codon 152 of the GALNT12 protein (p.Leu152Phe).

NM_024642.5(GALNT12):c.454C>T (p.Leu152Phe)

Gene: GALNT12 (polypeptide N-acetylgalactosaminyltransferase 12; plus strand). Cytogenetic location: 9q22.33.
Variant type: single nucleotide variant.
Coding change: c.454C>T on transcript NM_024642.5 (MANE Select); coding-DNA position 454, C replaced by T.
Protein change: p.Leu152Phe; replaces leucine 152 with phenylalanine.
Molecular consequence: missense variant.
Genome position (GRCh38, 1-based): chr9:98,823,338, C>T. VCF-style: chr9-98823338-C-T. GRCh37 (hg19) VCF-style: chr9-101585620-C-T.
Other names: short protein forms L152F.
Identifiers: ClinVar variation 2599171 (VCV002599171.5), dbSNP rs2118355270, ClinGen allele CA374216741.